The following is an entry in ClinVar:

NM_001287491.2(TET3):c.1448C>T (p.Ala483Val)

Gene: TET3 (tet methylcytosine dioxygenase 3; plus strand). Cytogenetic location: 2p13.1.
Variant type: single nucleotide variant.
Coding change: c.1448C>T on transcript NM_001287491.2 (MANE Select); coding-DNA position 1448, C replaced by T.
Protein change: p.Ala483Val; replaces alanine 483 with valine.
Molecular consequence: missense variant.
Genome position (GRCh38, 1-based): chr2:74,047,365, C>T. VCF-style: chr2-74047365-C-T. GRCh37 (hg19) VCF-style: chr2-74274492-C-T.
Other names: c.1169C>T, p.Ala390Val (NM_001366022.1); short protein forms A483V, A390V.
Identifiers: ClinVar variation 4999597 (VCV004999597.1).

ClinVar aggregate classification (germline): Uncertain significance (1 of 4 stars; one submission).

Conditions:
TET3-related disorder. Also called: TET3-Related Disease; TET3-related condition.

gnomAD v4.1: 1 of 1,613,960 alleles (0.000062%); highest among the groups gnomAD compares: Admixed American, 0.0017%; no homozygotes.

Submission:

PreventionGenetics, part of Exact Sciences
Classification: Uncertain significance for TET3-related condition. Last evaluated: 2025-05-13. Review status: criteria provided, single submitter. Criteria: ACMG Guidelines, 2015. Collection method: clinical testing. Allele origin: germline.
Comment: The TET3 c.1448C>T variant is predicted to result in the amino acid substitution p.Ala483Val. To our knowledge, this variant has not been reported in the literature or in a large population database (gnomAD), indicating this variant is rare. At this time, the clinical significance of this variant is uncertain due to the absence of conclusive functional and genetic evidence.